The following is an entry in ClinVar:

NM_003924.4(PHOX2B):c.194G>A (p.Cys65Tyr)

Genes: PHOX2B (paired like homeobox 2B; minus strand), PHOX2B-AS1 (PHOX2B antisense RNA 1; plus strand). Cytogenetic location: 4p13.
Variant type: single nucleotide variant.
Coding change: c.194G>A on transcript NM_003924.4 (MANE Select); coding-DNA position 194, G replaced by A.
Protein change: p.Cys65Tyr; replaces cysteine 65 with tyrosine.
Molecular consequence: missense variant.
Genome position (GRCh38, 1-based): chr4:41,748,417, C>T on the plus strand (G>A on the coding strand, the complement: PHOX2B is on the minus strand). VCF-style: chr4-41748417-C-T. GRCh37 (hg19) VCF-style: chr4-41750434-C-T.
Other names: short protein forms C65Y.
Identifiers: ClinVar variation 1492632 (VCV001492632.8), dbSNP rs2153113045, ClinGen allele CA356740883.

ClinVar aggregate classification (germline): Uncertain significance (1 of 4 stars; one submission).

Conditions:
Haddad syndrome (OHD). Also called: Ondine-Hirschsprung disease. Identifiers: Orphanet 99803, MedGen C1859049, MONDO:0020493.

Submission:

Labcorp Genetics (formerly Invitae), Labcorp
Classification: Uncertain significance for Haddad syndrome. Last evaluated: 2021-01-15. Review status: criteria provided, single submitter. Criteria: Invitae Variant Classification Sherloc (09022015). Collection method: clinical testing. Allele origin: germline.
Comment: In summary, the available evidence is currently insufficient to determine the role of this variant in disease. Therefore, it has been classified as a Variant of Uncertain Significance. This sequence change replaces cysteine with tyrosine at codon 65 of the PHOX2B protein (p.Cys65Tyr). The cysteine residue is highly conserved and there is a large physicochemical difference between cysteine and tyrosine. This variant is not present in population databases (ExAC no frequency). This variant has not been reported in the literature in individuals with PHOX2B-related conditions. Algorithms developed to predict the effect of missense changes on protein structure and function (SIFT, PolyPhen-2, Align-GVGD) all suggest that this variant is likely to be disruptive, but these predictions have not been confirmed by published functional studies and their clinical significance is uncertain.